The following is an entry in ClinVar:

NM_004933.3(CDH15):c.1160G>C (p.Gly387Ala)

Gene: CDH15 (cadherin 15; plus strand). Cytogenetic location: 16q24.3.
Variant type: single nucleotide variant.
Coding change: c.1160G>C on transcript NM_004933.3 (MANE Select); coding-DNA position 1160, G replaced by C.
Protein change: p.Gly387Ala; replaces glycine 387 with alanine.
Molecular consequence: missense variant.
Genome position (GRCh38, 1-based): chr16:89,190,424, G>C. VCF-style: chr16-89190424-G-C. GRCh37 (hg19) VCF-style: chr16-89256832-G-C.
Other names: short protein forms G387A.
Identifiers: ClinVar variation 3250944 (VCV003250944.18), dbSNP rs745707106.

ClinVar aggregate classification (germline): Likely benign (1 of 4 stars; one submission).

Allele frequency attached by ClinVar (database versions not stated): gnomAD 0.00003; TOPMed 0.00003.
gnomAD v4.1: 109 of 1,610,972 alleles (0.0068%); highest among the groups gnomAD compares: Non-Finnish European, 0.009%; no homozygotes.

Submission:

CeGaT Center for Human Genetics Tuebingen
Classification: Likely benign. Last evaluated: 2024-06-01. Review status: criteria provided, single submitter. Criteria: CeGaT Center For Human Genetics Tuebingen Variant Classification Criteria Version 2. Collection method: clinical testing. Allele origin: germline. Affected: yes. Observed: 1 variant allele.
Comment: CDH15: BP4